The following is an entry in ClinVar:

NM_001384140.1(PCDH15):c.2380_2381delinsTC (p.Gly794Ser)

Gene: PCDH15 (protocadherin related 15; minus strand). Cytogenetic location: 10q21.1.
Variant type: Indel.
Coding change: c.2380_2381delinsTC on transcript NM_001384140.1 (MANE Select); coding-DNA positions 2380 to 2381, GG replaced by TC.
Protein change: p.Gly794Ser; replaces glycine 794 with serine.
Molecular consequence: missense variant.
Genome position (GRCh38, 1-based): chr10:54,023,037-54,023,038, CC replaced by GA on the plus strand (GG replaced by TC on the coding strand, the reverse complement: PCDH15 is on the minus strand). VCF-style: chr10-54023037-CC-GA. GRCh37 (hg19) VCF-style: chr10-55782797-CC-GA.
Other names: c.2395_2396delinsTC, p.Gly799Ser (NM_001142763.2, NM_001142771.2); c.2380_2381delinsTC, p.Gly794Ser (NM_001142764.2, NM_001142766.2, NM_001142770.3 and 5 more transcripts); c.2167_2168delinsTC, p.Gly723Ser (NM_001142765.2); c.2269_2270delinsTC, p.Gly757Ser (NM_001142767.2); c.2314_2315delinsTC, p.Gly772Ser (NM_001142768.2, NM_001142773.2, NM_001354404.2); c.2416_2417delGGinsTC, p.Gly806Ser (NM_001142769.4); c.2401_2402delinsTC, p.Gly801Ser (NM_001354411.2); short protein forms G723S, G757S, G772S, G794S, G799S, G801S, G806S.
Identifiers: ClinVar variation 4976013 (VCV004976013.1).
Genomic context (GRCh38, chr10:54,023,037, plus strand): 5'-TCATCAATGTCCAAAACCTTGATGGCCAAGGTTAGAGTTGAATGACGAGGGTGTACTGCT[CC>GA]ATCTGTTGCCACAACAACAAGTTCATAGTAGTCCCTGACTTCTCTGTTAAGCTTCACTGC-3'
Protein context (NP_001371069.1, residues 784-804): YYELVVVATD[Gly794Ser]AVHPRHSTLT

ClinVar aggregate classification (germline): Uncertain significance (1 of 4 stars; one submission).

Submission:

GeneDx
Classification: Uncertain significance. Last evaluated: 2026-02-01. Review status: criteria provided, single submitter. Criteria: GeneDx Variant Classification Process June 2021. Collection method: clinical testing. Allele origin: germline.
Comment: In silico analysis supports a deleterious effect on protein structure/function; Has not been previously published as pathogenic or benign to our knowledge